The following is an entry in ClinVar:

NM_002691.4(POLD1):c.1855A>G (p.Thr619Ala)

Gene: POLD1 (DNA polymerase delta 1, catalytic subunit; plus strand). Cytogenetic location: 19q13.33.
Variant type: single nucleotide variant.
Coding change: c.1855A>G on transcript NM_002691.4 (MANE Select); coding-DNA position 1855, A replaced by G.
Protein change: p.Thr619Ala; replaces threonine 619 with alanine.
Molecular consequence: missense variant. On other transcripts: non-coding transcript variant (1).
Genome position (GRCh38, 1-based): chr19:50,408,864, A>G. VCF-style: chr19-50408864-A-G. GRCh37 (hg19) VCF-style: chr19-50912121-A-G.
Other names: c.1855A>G, p.Thr619Ala (NM_001256849.1); c.1933A>G, p.Thr645Ala (NM_001308632.1); short protein forms T645A, T619A.
Identifiers: ClinVar variation 1043105 (VCV001043105.8), dbSNP rs758923483, ClinGen allele CA9596293.

ClinVar aggregate classification (germline): Uncertain significance (1 of 4 stars; one submission).

Conditions:
POLD1-related polyposis and colorectal cancer syndrome (CRCS10). Also called: Colorectal cancer 10; COLORECTAL CANCER, SUSCEPTIBILITY TO, ON CHROMOSOME 19q; Colorectal cancer, susceptibility to, 10. Identifiers: Orphanet 220460, MedGen C2675481, MONDO:0012953, OMIM 612591.

Allele frequency attached by ClinVar (database versions not stated): gnomAD exomes below 0.00001; ExAC 0.00001.
gnomAD v4.1: 3 of 1,613,778 alleles (0.00019%); highest among the groups gnomAD compares: Admixed American, 0.0017%; no homozygotes.

Submission:

Labcorp Genetics (formerly Invitae), Labcorp
Classification: Uncertain significance for POLD1-related polyposis and colorectal cancer syndrome. Last evaluated: 2020-06-15. Review status: criteria provided, single submitter. Criteria: Invitae Variant Classification Sherloc (09022015). Collection method: clinical testing. Allele origin: germline.
Comment: This sequence change replaces threonine with alanine at codon 619 of the POLD1 protein (p.Thr619Ala). The threonine residue is highly conserved and there is a small physicochemical difference between threonine and alanine. In summary, the available evidence is currently insufficient to determine the role of this variant in disease. Therefore, it has been classified as a Variant of Uncertain Significance. Algorithms developed to predict the effect of missense changes on protein structure and function (SIFT, PolyPhen-2, Align-GVGD) all suggest that this variant is likely to be disruptive, but these predictions have not been confirmed by published functional studies and their clinical significance is uncertain. This variant has not been reported in the literature in individuals with POLD1-related conditions. This variant is present in population databases (rs758923483, ExAC 0.009%).